The following is an entry in ClinVar:

NM_000264.5(PTCH1):c.2984G>T (p.Arg995Met)

Gene: PTCH1 (patched 1; minus strand). Cytogenetic location: 9q22.32.
Variant type: single nucleotide variant.
Coding change: c.2984G>T on transcript NM_000264.5 (MANE Select); coding-DNA position 2984, G replaced by T.
Protein change: p.Arg995Met; replaces arginine 995 with methionine.
Molecular consequence: missense variant. On other transcripts: non-coding transcript variant (1).
Genome position (GRCh38, 1-based): chr9:95,458,197, C>A on the plus strand (G>T on the coding strand, the complement: PTCH1 is on the minus strand). VCF-style: chr9-95458197-C-A. GRCh37 (hg19) VCF-style: chr9-98220479-C-A.
Other names: c.2786G>T, p.Arg929Met (NM_001083602.3); c.2981G>T, p.Arg994Met (NM_001083603.3); c.2531G>T, p.Arg844Met (NM_001083604.3, NM_001083605.3, NM_001083606.3 and 1 more transcripts); c.2828G>T, p.Arg943Met (NM_001354918.2); short protein forms R844M, R929M, R943M, R994M, R995M.
Identifiers: ClinVar variation 4862714 (VCV004862714.1).

ClinVar aggregate classification (germline): Uncertain significance (1 of 4 stars; one submission).

Conditions:
Hereditary cancer-predisposing syndrome. Also called: Neoplastic Syndromes, Hereditary; Tumor predisposition; Hereditary Cancer Syndrome; Hereditary neoplastic syndrome. Identifiers: Orphanet 140162, MedGen C0027672, MeSH D009386, MONDO:0015356.

Submission:

Ambry Genetics
Classification: Uncertain significance for Hereditary cancer-predisposing syndrome. Last evaluated: 2026-06-08. Review status: criteria provided, single submitter. Criteria: Ambry Variant Classification Scheme 2023. Collection method: clinical testing. Allele origin: germline.
Comment: The p.R995M variant (also known as c.2984G>T), located in coding exon 18 of the PTCH1 gene, results from a G to T substitution at nucleotide position 2984. The arginine at codon 995 is replaced by methionine, an amino acid with similar properties. This amino acid position is conserved. In addition, this alteration is predicted to be deleterious by in silico analysis. Based on the available evidence, the clinical significance of this variant remains unclear.